The following is an entry in ClinVar:

ClinVar aggregate classification (germline): Uncertain significance (1 of 4 stars; one submission).

Allele frequency attached by ClinVar (database versions not stated): gnomAD exomes below 0.00001.
gnomAD v4.1: 2 of 1,613,180 alleles (0.00012%); highest among the groups gnomAD compares: Admixed American, 0.0033%; no homozygotes.

Submission:

Labcorp Genetics (formerly Invitae), Labcorp
Classification: Uncertain significance. Last evaluated: 2025-07-21. Review status: criteria provided, single submitter. Criteria: Invitae Variant Classification Sherloc (09022015). Collection method: clinical testing. Allele origin: germline.
Comment: This sequence change replaces cysteine, which is neutral and slightly polar, with serine, which is neutral and polar, at codon 46 of the UNC80 protein (p.Cys46Ser). This variant is present in population databases (no rsID available, gnomAD 0.006%). This variant has not been reported in the literature in individuals affected with UNC80-related conditions. ClinVar contains an entry for this variant (Variation ID: 2005926). An algorithm developed to predict the effect of missense changes on protein structure and function (PolyPhen-2) suggests that this variant is likely to be disruptive. In summary, the available evidence is currently insufficient to determine the role of this variant in disease. Therefore, it has been classified as a Variant of Uncertain Significance.

NM_001371986.1(UNC80):c.137G>C (p.Cys46Ser)

Gene: UNC80 (unc-80 subunit of NALCN channel complex; plus strand). Cytogenetic location: 2q34.
Variant type: single nucleotide variant.
Coding change: c.137G>C on transcript NM_001371986.1 (MANE Select); coding-DNA position 137, G replaced by C.
Protein change: p.Cys46Ser; replaces cysteine 46 with serine.
Molecular consequence: missense variant.
Genome position (GRCh38, 1-based): chr2:209,773,138, G>C. VCF-style: chr2-209773138-G-C. GRCh37 (hg19) VCF-style: chr2-210637862-G-C.
Other names: c.137G>C, p.Cys46Ser (NM_032504.2, NM_182587.4); short protein forms C46S.
Identifiers: ClinVar variation 2005926 (VCV002005926.4), dbSNP rs1320264327, ClinGen allele CA350124723.
Genomic context (GRCh38, chr2:209,773,138, plus strand): 5'-TCTATTAATTTTTCAGTGCATTTTTGAGGCCCAAACTGGGGAAGCAATATGAAGCTTCTT[G>C]TGTGGTATGTGATTTTCACCATTTAATAATTATTTCCCTATTCTGTGTGGTGGTTTGAAC-3'
Protein context (NP_001358915.1, residues 36-56): PKLGKQYEAS[Cys46Ser]VSFERVLVEN